The following is an entry in ClinVar:

ClinVar aggregate classification (germline): Uncertain significance (1 of 4 stars; one submission).

Conditions:
Arrhythmogenic cardiomyopathy with wooly hair and keratoderma. Also called: PALMOPLANTAR KERATODERMA WITH LEFT VENTRICULAR CARDIOMYOPATHY AND WOOLLY HAIR; Carvajal syndrome; Dilated cardiomyopathy with woolly hair and keratoderma; Arrhythmogenic cardiomyopathy with woolly hair and keratoderma. Identifiers: Orphanet 65282, MedGen C1854063, MONDO:0011581, OMIM 605676.

Submission:

All of Us Research Program, National Institutes of Health
Classification: Uncertain significance for Arrhythmogenic cardiomyopathy with wooly hair and keratoderma. Last evaluated: 2024-01-03. Review status: criteria provided, single submitter. Criteria: ACMG Guidelines, 2015. Collection method: clinical testing. Allele origin: germline. Inheritance: Autosomal dominant inheritance. Observed: 1 variant allele, 1 heterozygote.
Comment: This missense variant replaces serine with cysteine at codon 2578 of the DSP protein. Computational prediction suggests that this variant may not impact protein structure and function (internally defined REVEL score threshold <= 0.5, PMID: 27666373). To our knowledge, functional studies have not been reported for this variant. This variant has not been reported in individuals affected with DSP-related disorders in the literature. This variant has not been identified in the general population by the Genome Aggregation Database (gnomAD). The available evidence is insufficient to determine the role of this variant in disease conclusively. Therefore, this variant is classified as a Variant of Uncertain Significance.

This study involves interpretation of variants in research participants for the purpose of population health screening. Participant phenotype was not available at the time of variant classification. Additional details can be found in publication PMID: 35346344, PMCID: PMC8962531

NM_004415.4(DSP):c.7732A>T (p.Ser2578Cys)

Gene: DSP (desmoplakin; plus strand). Cytogenetic location: 6p24.3.
Variant type: single nucleotide variant.
Coding change: c.7732A>T on transcript NM_004415.4 (MANE Select); coding-DNA position 7732, A replaced by T.
Protein change: p.Ser2578Cys; replaces serine 2578 with cysteine.
Molecular consequence: missense variant.
Genome position (GRCh38, 1-based): chr6:7,584,994, A>T. VCF-style: chr6-7584994-A-T. GRCh37 (hg19) VCF-style: chr6-7585227-A-T.
Other names: c.5935A>T, p.Ser1979Cys (NM_001008844.3); c.6403A>T, p.Ser2135Cys (NM_001319034.2); short protein forms S1979C, S2135C, S2578C.
Identifiers: ClinVar variation 3075246 (VCV003075246.1), dbSNP rs1759590390, ClinGen allele CA362693658.